The following is an entry in ClinVar:

NM_144643.4(SCLT1):c.587T>G (p.Leu196Arg)

Gene: SCLT1 (sodium channel and clathrin linker 1; minus strand). Cytogenetic location: 4q28.2.
Variant type: single nucleotide variant.
Coding change: c.587T>G on transcript NM_144643.4 (MANE Select); coding-DNA position 587, T replaced by G.
Protein change: p.Leu196Arg; replaces leucine 196 with arginine.
Molecular consequence: missense variant.
Genome position (GRCh38, 1-based): chr4:128,997,902, A>C on the plus strand (T>G on the coding strand, the complement: SCLT1 is on the minus strand). VCF-style: chr4-128997902-A-C. GRCh37 (hg19) VCF-style: chr4-129919057-A-C.
Other names: c.587T>G, p.Leu196Arg (NM_001410807.1); short protein forms L196R.
Identifiers: ClinVar variation 4993380 (VCV004993380.1).
Genomic context (GRCh38, chr4:128,997,902, plus strand): 5'-AATTTCTAGTTTATATAAATAAGTATACTTACCACTTCCATGTTCTCATTAGTAACATGA[A>C]GTTGTTTGGTCAGTTGTTGAAAATCAAATAGCTGATCCTACAGTGGGAAGGTAAGGGGAG-3'
Protein context (NP_653244.2, residues 186-206): LFDFQQLTKQ[Leu196Arg]HVTNENMEVT

ClinVar aggregate classification (germline): Uncertain significance (1 of 4 stars; one submission).

Conditions:
SCLT1-related disorder. Also called: SCLT1-related condition.

Submission:

PreventionGenetics, part of Exact Sciences
Classification: Uncertain significance for SCLT1-related condition. Last evaluated: 2025-11-25. Review status: criteria provided, single submitter. Criteria: ACMG Guidelines, 2015. Collection method: clinical testing. Allele origin: germline.
Comment: The SCLT1 c.587T>G variant is predicted to result in the amino acid substitution p.Leu196Arg. To our knowledge, this variant has not been reported in the literature or in a large population database (gnomAD), indicating this variant is rare. At this time, the clinical significance of this variant is uncertain due to the absence of conclusive functional and genetic evidence.